The following is an entry in ClinVar:

ClinVar aggregate classification (germline): Pathogenic. Review status: criteria provided, multiple submitters, no conflicts (2 of 4 stars). 4 submissions from 4 submitters: Pathogenic (3). 1 of the submissions does not count toward it. Last evaluated 2025-02-06.

Conditions:
Hereditary cancer-predisposing syndrome. Also called: Neoplastic Syndromes, Hereditary; Hereditary Cancer Syndrome; Tumor predisposition; Hereditary neoplastic syndrome. Identifiers: Orphanet 140162, MedGen C0027672, MeSH D009386, MONDO:0015356.
Familial cancer of breast. Also called: BREAST CANCER, FAMILIAL; hereditary breast carcinoma; Hereditary breast cancer. Identifiers: Orphanet 227535, MedGen C0346153, MONDO:0016419, OMIM 114480. Disease mechanism: loss of function.
Ataxia-telangiectasia syndrome (AT). Also called: Ataxia-telangiectasia, complementation group D; AT, COMPLEMENTATION GROUP C; Ataxia-telangiectasia; ATAXIA-TELANGIECTASIA, COMPLEMENTATION GROUP A; ATAXIA-TELANGIECTASIA, FRESNO VARIANT; Ataxia-telangiectasia, complementation group E. Identifiers: Orphanet 100, MedGen C0004135, MONDO:0008840, OMIM 208900.

Submissions (4):

Ambry Genetics
Classification: Pathogenic for Hereditary cancer-predisposing syndrome. Last evaluated: 2025-02-06. Review status: criteria provided, single submitter. Criteria: Ambry Variant Classification Scheme 2023. Collection method: clinical testing. Allele origin: germline.
Comment: The p.Q2651* pathogenic mutation (also known as c.7951C>T), located in coding exon 53 of the ATM gene, results from a C to T substitution at nucleotide position 7951. This changes the amino acid from a glutamine to a stop codon within coding exon 53. This variant is considered to be rare based on population cohorts in the Genome Aggregation Database (gnomAD). This alteration is expected to result in loss of function by premature protein truncation or nonsense-mediated mRNA decay. As such, this alteration is interpreted as a disease-causing mutation.

Labcorp Genetics (formerly Invitae), Labcorp
Classification: Pathogenic for Ataxia-telangiectasia syndrome. Last evaluated: 2024-05-07. Review status: criteria provided, single submitter. Criteria: Invitae Variant Classification Sherloc (09022015). Collection method: clinical testing. Allele origin: germline.
Comment: This sequence change creates a premature translational stop signal (p.Gln2651*) in the ATM gene. It is expected to result in an absent or disrupted protein product. Loss-of-function variants in ATM are known to be pathogenic (PMID: 23807571, 25614872). This variant is not present in population databases (gnomAD no frequency). This variant has not been reported in the literature in individuals affected with ATM-related conditions. ClinVar contains an entry for this variant (Variation ID: 141766). RNA analysis performed to evaluate the impact of this premature translational stop signal on mRNA splicing indicates it does not significantly alter splicing (Invitae). For these reasons, this variant has been classified as Pathogenic.

Myriad Genetics, Inc.
Classification: Pathogenic for Familial cancer of breast. Last evaluated: 2024-02-01. Review status: criteria provided, single submitter. Criteria: Myriad Autosomal Dominant, Autosomal Recessive and X-Linked Classification Criteria (2023). Collection method: clinical testing. Allele origin: unknown.
Comment: This variant is considered pathogenic. This variant creates a termination codon and is predicted to result in premature protein truncation.

Counsyl
Classification: Likely pathogenic for Ataxia-telangiectasia syndrome. Last evaluated: 2016-10-19. Review status: no assertion criteria provided. Collection method: clinical testing. Allele origin: unknown. Not counted in ClinVar's aggregate classification.

Literature cited by the submitters: PubMed 23807571 (cited by Labcorp Genetics (formerly Invitae), Labcorp); PubMed 25614872 (cited by Labcorp Genetics (formerly Invitae), Labcorp).

NM_000051.4(ATM):c.7951C>T (p.Gln2651Ter)

Genes: ATM (ATM serine/threonine kinase; plus strand), C11orf65 (chromosome 11 open reading frame 65; minus strand). Cytogenetic location: 11q22.3.
Variant type: single nucleotide variant.
Coding change: c.7951C>T on transcript NM_000051.4 (MANE Select); coding-DNA position 7951, C replaced by T.
Protein change: p.Gln2651Ter; replaces glutamine 2651 with a stop codon.
Molecular consequence: nonsense. On other transcripts: intron variant (2).
Genome position (GRCh38, 1-based): chr11:108,333,909, C>T. VCF-style: chr11-108333909-C-T. GRCh37 (hg19) VCF-style: chr11-108204636-C-T.
Other names: c.7951C>T, p.Gln2651Ter (NM_001351834.2); c.641-24838G>A (NM_001330368.2); c.*38+1311G>A (NM_001351110.2); short protein forms Q2651*.
Identifiers: ClinVar variation 141766 (VCV000141766.15), dbSNP rs587781994, ClinGen allele CA166363.
Genomic context (GRCh38, chr11:108,333,909, plus strand): 5'-CAGTTTGTCACTAAAATCTCTTCATTTTTAAATACAGAAGGCATAAATATTCCAGCAGAC[C>T]AGCCAATTACTAAACTTAAGAATTTAGAAGATGTTGTTGTCCCTACTATGGAAATTAAGG-3'